The following is an entry in ClinVar:

NM_152564.5(VPS13B):c.3653G>T (p.Cys1218Phe)

Gene: VPS13B (vacuolar protein sorting 13 homolog B; plus strand). Cytogenetic location: 8q22.2.
Variant type: single nucleotide variant.
Coding change: c.3653G>T on transcript NM_152564.5 (MANE Select); coding-DNA position 3653, G replaced by T.
Protein change: p.Cys1218Phe; replaces cysteine 1218 with phenylalanine.
Molecular consequence: missense variant.
Genome position (GRCh38, 1-based): chr8:99,467,621, G>T. VCF-style: chr8-99467621-G-T. GRCh37 (hg19) VCF-style: chr8-100479849-G-T.
Other names: c.3653G>T, p.Cys1218Phe (NM_017890.5); short protein forms C1218F.
Identifiers: ClinVar variation 2079305 (VCV002079305.4), dbSNP rs1337261718, ClinGen allele CA371866335.
Genomic context (GRCh38, chr8:99,467,621, plus strand): 5'-ATACACGACATTCATTTGTTGTCTGTCTCCATGTTGACCTAGAGTCACTAGAGATAAAAT[G>T]CTCTAATCCCCAGGTTGGTACATTTGATTTATGAAAGGAAATTTAAAGTAATGTGATTTA-3'
Protein context (NP_689777.3, residues 1208-1228): HVDLESLEIK[Cys1218Phe]SNPQVQLFYE

ClinVar aggregate classification (germline): Uncertain significance (1 of 4 stars; one submission).

Conditions:
Cohen syndrome (COH1). Also called: PEPPER SYNDROME; Cutis verticis gyrata, retinitis pigmentosa, and sensorineural deafness. Identifiers: Orphanet 193, MedGen C0265223, MONDO:0008999, OMIM 216550.

Submission:

Labcorp Genetics (formerly Invitae), Labcorp
Classification: Uncertain significance for Cohen syndrome. Last evaluated: 2024-03-04. Review status: criteria provided, single submitter. Criteria: Invitae Variant Classification Sherloc (09022015). Collection method: clinical testing. Allele origin: germline.
Comment: This sequence change replaces cysteine, which is neutral and slightly polar, with phenylalanine, which is neutral and non-polar, at codon 1218 of the VPS13B protein (p.Cys1218Phe). This variant is not present in population databases (gnomAD no frequency). This variant has not been reported in the literature in individuals affected with VPS13B-related conditions. ClinVar contains an entry for this variant (Variation ID: 2079305). Advanced modeling of protein sequence and biophysical properties (such as structural, functional, and spatial information, amino acid conservation, physicochemical variation, residue mobility, and thermodynamic stability) has been performed at Invitae for this missense variant, however the output from this modeling did not meet the statistical confidence thresholds required to predict the impact of this variant on VPS13B protein function. In summary, the available evidence is currently insufficient to determine the role of this variant in disease. Therefore, it has been classified as a Variant of Uncertain Significance.